The following is an entry in ClinVar:

NM_001291303.3(FAT4):c.11872G>A (p.Gly3958Ser)

Gene: FAT4 (FAT atypical cadherin 4; plus strand). Cytogenetic location: 4q28.1.
Variant type: single nucleotide variant.
Coding change: c.11872G>A on transcript NM_001291303.3 (MANE Select); coding-DNA position 11872, G replaced by A.
Protein change: p.Gly3958Ser; replaces glycine 3958 with serine.
Molecular consequence: missense variant.
Genome position (GRCh38, 1-based): chr4:125,463,634, G>A. VCF-style: chr4-125463634-G-A. GRCh37 (hg19) VCF-style: chr4-126384789-G-A.
Other names: c.11872G>A, p.Gly3958Ser (NM_001291285.3); c.11866G>A, p.Gly3956Ser (NM_024582.6); short protein forms G3956S, G3958S.
Identifiers: ClinVar variation 1350371 (VCV001350371.7), dbSNP rs557600491, ClinGen allele CA3073940.

ClinVar aggregate classification (germline): Uncertain significance (1 of 4 stars; one submission).

Allele frequency attached by ClinVar (database versions not stated): ExAC 0.00001; gnomAD 0.00001; gnomAD exomes 0.00001; 1000 Genomes Project 0.00020; 1000 Genomes Project 30x 0.00031.
gnomAD v4.1: 9 of 1,597,792 alleles (0.00056%); highest among the groups gnomAD compares: East Asian, 0.018%; no homozygotes.

Submission:

Labcorp Genetics (formerly Invitae), Labcorp
Classification: Uncertain significance. Last evaluated: 2023-12-11. Review status: criteria provided, single submitter. Criteria: Invitae Variant Classification Sherloc (09022015). Collection method: clinical testing. Allele origin: germline.
Comment: This sequence change replaces glycine, which is neutral and non-polar, with serine, which is neutral and polar, at codon 3956 of the FAT4 protein (p.Gly3956Ser). This variant is present in population databases (rs557600491, gnomAD 0.02%). This variant has not been reported in the literature in individuals affected with FAT4-related conditions. ClinVar contains an entry for this variant (Variation ID: 1350371). Advanced modeling of protein sequence and biophysical properties (such as structural, functional, and spatial information, amino acid conservation, physicochemical variation, residue mobility, and thermodynamic stability) performed at Invitae indicates that this missense variant is not expected to disrupt FAT4 protein function with a negative predictive value of 95%. In summary, the available evidence is currently insufficient to determine the role of this variant in disease. Therefore, it has been classified as a Variant of Uncertain Significance.